The following is an entry in ClinVar:

NM_014336.5(AIPL1):c.351C>G (p.His117Gln)

Gene: AIPL1 (AIP like 1 HSP90 co-chaperone; minus strand). Cytogenetic location: 17p13.2.
Variant type: single nucleotide variant.
Coding change: c.351C>G on transcript NM_014336.5 (MANE Select); coding-DNA position 351, C replaced by G.
Protein change: p.His117Gln; replaces histidine 117 with glutamine.
Molecular consequence: missense variant. On other transcripts: intron variant (1).
Genome position (GRCh38, 1-based): chr17:6,428,432, G>C on the plus strand (C>G on the coding strand, the complement: AIPL1 is on the minus strand). VCF-style: chr17-6428432-G-C. GRCh37 (hg19) VCF-style: chr17-6331752-G-C.
Other names: c.171C>G, p.His57Gln (NM_001033055.3); c.315C>G, p.His105Gln (NM_001285399.3); c.285C>G, p.His95Gln (NM_001285400.3); c.351C>G, p.His117Gln (NM_001285401.3, NM_001285403.4); c.234C>G, p.His78Gln (NM_001285402.2); c.277-1375C>G (NM_001033054.3); short protein forms H105Q, H117Q, H57Q, H78Q, H95Q.
Identifiers: ClinVar variation 1027018 (VCV001027018.6), dbSNP rs370312709, ClinGen allele CA397396416.

ClinVar aggregate classification (germline): Uncertain significance (1 of 4 stars; one submission).

Conditions:
Leber congenital amaurosis 4 (LCA4). Identifiers: MedGen C1858386, MONDO:0011458, OMIM 604393.

gnomAD v4.1: 1 of 1,613,826 alleles (0.000062%); highest among the groups gnomAD compares: Non-Finnish European, 0.000085%; no homozygotes.

Submission:

Labcorp Genetics (formerly Invitae), Labcorp
Classification: Uncertain significance for Leber congenital amaurosis 4. Last evaluated: 2020-08-14. Review status: criteria provided, single submitter. Criteria: Invitae Variant Classification Sherloc (09022015). Collection method: clinical testing. Allele origin: germline.
Comment: This sequence change replaces histidine with glutamine at codon 117 of the AIPL1 protein (p.His117Gln). The histidine residue is highly conserved and there is a small physicochemical difference between histidine and glutamine. This variant is not present in population databases (ExAC no frequency). This variant has not been reported in the literature in individuals with AIPL1-related conditions. Algorithms developed to predict the effect of missense changes on protein structure and function are either unavailable or do not agree on the potential impact of this missense change (SIFT: "Deleterious"; PolyPhen-2: "Benign"; Align-GVGD: "Class C0"). In summary, the available evidence is currently insufficient to determine the role of this variant in disease. Therefore, it has been classified as a Variant of Uncertain Significance.